The following is an entry in ClinVar:

ClinVar aggregate classification (germline): Likely benign. Review status: criteria provided, multiple submitters, no conflicts (2 of 4 stars). 2 submissions from 2 submitters: Likely benign (2). Last evaluated 2026-09-01.

Conditions:
Frontotemporal dementia and/or amyotrophic lateral sclerosis 4. Also called: FTDALS4. Identifiers: Orphanet 275872, MedGen C4225325, MONDO:0014641, OMIM 616439.

gnomAD v4.1: 50 of 1,613,928 alleles (0.0031%); highest among the groups gnomAD compares: Non-Finnish European, 0.0038%; no homozygotes.

Submissions (2):

CeGaT Center for Human Genetics Tuebingen
Classification: Likely benign. Last evaluated: 2026-09-01. Review status: criteria provided, single submitter. Criteria: CeGaT Center For Human Genetics Tuebingen Variant Classification Criteria Version 2. Collection method: clinical testing. Allele origin: germline. Affected: yes. Observed: 1 variant allele.
Comment: TBK1: BP4, BP7

Labcorp Genetics (formerly Invitae), Labcorp
Classification: Likely benign for Frontotemporal dementia and/or amyotrophic lateral sclerosis 4. Last evaluated: 2025-03-13. Review status: criteria provided, single submitter. Criteria: Invitae Variant Classification Sherloc (09022015). Collection method: clinical testing. Allele origin: germline.

NM_013254.4(TBK1):c.1554T>C (p.Ser518=)

Gene: TBK1 (TANK binding kinase 1; plus strand). Cytogenetic location: 12q14.2.
Variant type: single nucleotide variant.
Coding change: c.1554T>C on transcript NM_013254.4 (MANE Select); coding-DNA position 1554, T replaced by C.
Protein change: p.Ser518=; no amino-acid change (serine 518 retained).
Molecular consequence: synonymous variant.
Genome position (GRCh38, 1-based): chr12:64,495,515, T>C. VCF-style: chr12-64495515-T-C. GRCh37 (hg19) VCF-style: chr12-64889295-T-C.
Identifiers: ClinVar variation 3711561 (VCV003711561.3).
Genomic context (GRCh38, chr12:64,495,515, plus strand): 5'-CTGGATCTGAACCTTTGGTTTTATTTAGCTTTCCAGTTCTCAGGGAACAATAGAAACCAG[T>C]CTTCAGGATATCGACAGCAGATTATCTCCAGGTGGATCACTGGCAGACGCATGGGCACAT-3'
Protein context (NP_037386.1, residues 508-528): LSSSQGTIET[Ser518=]LQDIDSRLSP